The following is an entry in ClinVar:

NM_014855.3(AP5Z1):c.1505C>T (p.Ala502Val)

Gene: AP5Z1 (adaptor related protein complex 5 subunit zeta 1; plus strand). Cytogenetic location: 7p22.1.
Variant type: single nucleotide variant.
Coding change: c.1505C>T on transcript NM_014855.3 (MANE Select); coding-DNA position 1505, C replaced by T.
Protein change: p.Ala502Val; replaces alanine 502 with valine.
Molecular consequence: missense variant. On other transcripts: non-coding transcript variant (1).
Genome position (GRCh38, 1-based): chr7:4,788,204, C>T. VCF-style: chr7-4788204-C-T. GRCh37 (hg19) VCF-style: chr7-4827835-C-T.
Other names: c.1037C>T, p.Ala346Val (NM_001364858.1); short protein forms A346V, A502V.
Identifiers: ClinVar variation 2419903 (VCV002419903.5), dbSNP rs749763325, ClinGen allele CA4137845.

ClinVar aggregate classification (germline): Uncertain significance. Review status: criteria provided, single submitter (1 of 4 stars). 2 submissions from 2 submitters: Uncertain significance (1). 1 of the submissions does not count toward it. Last evaluated 2022-04-18.

Conditions:
Hereditary spastic paraplegia 48. Also called: Spastic paraplegia 48; SPASTIC PARAPLEGIA 48, AUTOSOMAL RECESSIVE. Identifiers: Orphanet 306511, MedGen C3150901, MONDO:0013342, OMIM 613647.
Retinal dystrophy. Also called: Inherited retinal dystrophy. Identifiers: Orphanet 71862, MedGen C0854723, MeSH D058499, MONDO:0019118, HP:0000556.

Allele frequency attached by ClinVar (database versions not stated): gnomAD 0.00003; ExAC 0.00005.
gnomAD v4.1: 57 of 1,562,978 alleles (0.0036%); highest among the groups gnomAD compares: Non-Finnish European, 0.0046%; no homozygotes.

Submissions (2):

Labcorp Genetics (formerly Invitae), Labcorp
Classification: Uncertain significance for Hereditary spastic paraplegia 48. Last evaluated: 2022-04-18. Review status: criteria provided, single submitter. Criteria: Invitae Variant Classification Sherloc (09022015). Collection method: clinical testing. Allele origin: germline.
Comment: This sequence change replaces alanine, which is neutral and non-polar, with valine, which is neutral and non-polar, at codon 502 of the AP5Z1 protein (p.Ala502Val). This variant is present in population databases (rs749763325, gnomAD 0.004%). This variant has not been reported in the literature in individuals affected with AP5Z1-related conditions. Algorithms developed to predict the effect of missense changes on protein structure and function output the following: SIFT: "Tolerated"; PolyPhen-2: "Benign"; Align-GVGD: "Class C0". The valine amino acid residue is found in multiple mammalian species, which suggests that this missense change does not adversely affect protein function. In summary, the available evidence is currently insufficient to determine the role of this variant in disease. Therefore, it has been classified as a Variant of Uncertain Significance.

Institute of Human Genetics, Univ. Regensburg, Univ. Regensburg
Classification: Uncertain significance for Retinal dystrophy. Last evaluated: 2023-01-01. Review status: no assertion criteria provided. Criteria: ACMG Guidelines, 2015. Collection method: clinical testing. Allele origin: germline. Affected: yes. Not counted in ClinVar's aggregate classification.